The following is an entry in ClinVar:

NM_016169.4(SUFU):c.211G>A (p.Val71Ile)

Gene: SUFU (SUFU negative regulator of hedgehog signaling; plus strand). Cytogenetic location: 10q24.32.
Variant type: single nucleotide variant.
Coding change: c.211G>A on transcript NM_016169.4 (MANE Select); coding-DNA position 211, G replaced by A.
Protein change: p.Val71Ile; replaces valine 71 with isoleucine.
Molecular consequence: missense variant.
Genome position (GRCh38, 1-based): chr10:102,509,197, G>A. VCF-style: chr10-102509197-G-A. GRCh37 (hg19) VCF-style: chr10-104268954-G-A.
Other names: c.211G>A, p.Val71Ile (NM_001178133.2); short protein forms V71I.
Identifiers: ClinVar variation 4813187 (VCV004813187.1).

ClinVar aggregate classification (germline): Uncertain significance (1 of 4 stars; one submission).

Conditions:
Basal cell nevus syndrome 1 (BCNS1). Also called: GORLIN-GOLTZ SYNDROME; MULTIPLE BASAL CELL NEVI, ODONTOGENIC KERATOCYSTS, AND SKELETAL ANOMALIES. Identifiers: MedGen CN376810, MONDO:0958174, OMIM 109400.

Submission:

St. Jude Molecular Pathology, St. Jude Children's Research Hospital
Classification: Uncertain significance for Basal cell nevus syndrome 1. Last evaluated: 2026-02-20. Review status: criteria provided, single submitter. Criteria: St. Jude Assertion Criteria 2020. Collection method: clinical testing. Allele origin: germline.
Comment: The SUFU c.211G>A p.(Val71Ile) missense change is absent in gnomAD v2.1.1. The in silico tool REVEL is inconclusive about a pathogenic or benign effect of this variant on protein function, and to our knowledge functional studies have not been performed. To our knowledge, this variant has not been reported in individuals with nevoid basal cell carcinoma syndrome. In summary, the evidence currentl y available is insufficient to determine the clinical significance of this variant. It has therefore been classified as of uncertain significance.